The following is an entry in ClinVar:

ClinVar aggregate classification (germline): Uncertain significance (1 of 4 stars; one submission).

Conditions:
Cataract 1 multiple types. Also called: CATARACT, DUFFY-LINKED; CATARACT 1, POSTERIOR SUBCAPSULAR, WITH MICROCORNEA; CATARACT 1, STELLATE NUCLEAR, WITH MICROCORNEA; CATARACT 1, MULTIPLE TYPES, WITH OR WITHOUT MICROCORNEA; CATARACT 1, NUCLEAR PROGRESSIVE; CATARACT 1 WITH MICROCORNEA. Identifiers: Orphanet 1377, MedGen C1861828, MONDO:0007285, OMIM 116200.

Submission:

Dept. Genetics and Cancer, Menzies Institute for Medical Research, University of Tasmania
Classification: Uncertain significance for Cataract 1 multiple types. Last evaluated: 2023-01-21. Review status: criteria provided, single submitter. Criteria: ACMG Guidelines, 2015. Collection method: curation. Allele origin: germline. Affected: no.
Comment: Variant identified and curated during a GJA8 specific review of the literature in relation to pediatric or congenital cataract. ACMG-AMP criteria applied: PM2(Supporting). Original variant report: PMID:29461140. Proband reported with this variant has bilateral anophthalmia. Gene review and curation guidelines are outlined in: DOI 10.1080/17469899.2023.2160320

Literature cited by the submitters: PubMed 29461140.

NM_005267.5(GJA8):c.1018G>C (p.Glu340Gln)

Gene: GJA8 (gap junction protein alpha 8; plus strand). Cytogenetic location: 1q21.2.
Variant type: single nucleotide variant.
Coding change: c.1018G>C on transcript NM_005267.5 (MANE Select); coding-DNA position 1018, G replaced by C.
Protein change: p.Glu340Gln; replaces glutamic acid 340 with glutamine.
Molecular consequence: missense variant.
Genome position (GRCh38, 1-based): chr1:147,908,973, G>C. VCF-style: chr1-147908973-G-C. GRCh37 (hg19) VCF-style: chr1-147381100-G-C.
Other names: short protein forms E340Q.
Identifiers: ClinVar variation 3253677 (VCV003253677.1), dbSNP rs1553242949.
Genomic context (GRCh38, chr1:147,908,973, plus strand): 5'-CTGCCTTCCTACGCTCAGGTGGGGGCACAAGAAGTGGAGGGCGAGGGGCCGCCTGCAGAG[G>C]AGGGAGCCGAACCCGAGGTGGGAGAGAAGAAGGAGGAAGCAGAGAGGCTGACCACGGAGG-3'
Protein context (NP_005258.2, residues 330-350): EVEGEGPPAE[Glu340Gln]GAEPEVGEKK